The following is an entry in ClinVar:

ClinVar aggregate classification (germline): Uncertain significance. Review status: criteria provided, multiple submitters, no conflicts (2 of 4 stars). 3 submissions from 3 submitters: Uncertain significance (3). Last evaluated 2025-11-17.

Conditions:
Troyer syndrome (SPG20). Identifiers: Orphanet 101000, MedGen C0393559, MONDO:0010156, OMIM 275900.

Allele frequency attached by ClinVar (database versions not stated): gnomAD 0.00001; TOPMed 0.00002; ExAC 0.00002.
gnomAD v4.1: 24 of 1,613,256 alleles (0.0015%); highest among the groups gnomAD compares: African/African-American, 0.0053%; no homozygotes.

Submissions (3):

Dasa
Classification: Uncertain significance. Last evaluated: 2025-11-17. Review status: criteria provided, single submitter. Criteria: DASA Assertion Criteria. Collection method: clinical testing. Allele origin: germline.
Comment: NM_015087.5(SPART):c.1225C>G (p.Pro409Ala) is a missense variant that results in the substitution of proline with alanine. This variant is rare in population databases. The currently available literature and clinical evidence are not sufficient to establish a definitive association between this variant and the reported condition. Therefore, this variant is classified as a variant of uncertain significance.

Revvity Omics, Revvity
Classification: Uncertain significance for Troyer syndrome. Last evaluated: 2024-05-28. Review status: criteria provided, single submitter. Criteria: ACMG Guidelines, 2015. Collection method: clinical testing. Allele origin: germline.

Labcorp Genetics (formerly Invitae), Labcorp
Classification: Uncertain significance. Last evaluated: 2023-08-24. Review status: criteria provided, single submitter. Criteria: Invitae Variant Classification Sherloc (09022015). Collection method: clinical testing. Allele origin: germline.
Comment: In summary, the available evidence is currently insufficient to determine the role of this variant in disease. Therefore, it has been classified as a Variant of Uncertain Significance. Advanced modeling of protein sequence and biophysical properties (such as structural, functional, and spatial information, amino acid conservation, physicochemical variation, residue mobility, and thermodynamic stability) performed at Invitae indicates that this missense variant is not expected to disrupt SPART protein function. ClinVar contains an entry for this variant (Variation ID: 1904669). This variant has not been reported in the literature in individuals affected with SPART-related conditions. This variant is present in population databases (rs750964344, gnomAD 0.01%). This sequence change replaces proline, which is neutral and non-polar, with alanine, which is neutral and non-polar, at codon 409 of the SPART protein (p.Pro409Ala).

NM_015087.5(SPART):c.1225C>G (p.Pro409Ala)

Gene: SPART (spartin; minus strand). Cytogenetic location: 13q13.3.
Variant type: single nucleotide variant.
Coding change: c.1225C>G on transcript NM_015087.5 (MANE Select); coding-DNA position 1225, C replaced by G.
Protein change: p.Pro409Ala; replaces proline 409 with alanine.
Molecular consequence: missense variant.
Genome position (GRCh38, 1-based): chr13:36,326,638, G>C on the plus strand (C>G on the coding strand, the complement: SPART is on the minus strand). VCF-style: chr13-36326638-G-C. GRCh37 (hg19) VCF-style: chr13-36900775-G-C.
Other names: c.1225C>G, p.Pro409Ala (NM_001142294.2, NM_001142295.2, NM_001142296.2); short protein forms P409A.
Identifiers: ClinVar variation 1904669 (VCV001904669.8), dbSNP rs750964344, ClinGen allele CA6949455.